The following is an entry in ClinVar:

NM_001267550.2(TTN):c.30455G>A (p.Arg10152Gln)

Gene: TTN (titin; minus strand). Cytogenetic location: 2q31.2.
Variant type: single nucleotide variant.
Coding change: c.30455G>A on transcript NM_001267550.2 (MANE Select); coding-DNA position 30455, G replaced by A.
Protein change: p.Arg10152Gln; replaces arginine 10152 with glutamine.
Molecular consequence: missense variant. On other transcripts: intron variant (3).
Genome position (GRCh38, 1-based): chr2:178,702,224, C>T on the plus strand (G>A on the coding strand, the complement: TTN is on the minus strand). VCF-style: chr2-178702224-C-T. GRCh37 (hg19) VCF-style: chr2-179566951-C-T.
Other names: c.29504G>A, p.Arg9835Gln (NM_001256850.1); c.26723G>A, p.Arg8908Gln (NM_133378.4); c.13282+35858G>A (NM_003319.4); c.13858+35858G>A (NM_133437.4); c.13657+35858G>A (NM_133432.3); short protein forms R8908Q, R10152Q, R9835Q.
Identifiers: ClinVar variation 593246 (VCV000593246.9), dbSNP rs375796685, ClinGen allele CA1999161.
Genomic context (GRCh38, chr2:178,702,224, plus strand): 5'-TCACCTTTCGTCGTTAGGTACAGCTCTGCCGTGCTTCTTGCTTCACCTCTTGGCTCCAGC[C>T]GAGCGATGACCGAGTAGACACCTAGGGTGAAAAATCATCCAACTTTTGTTTTCTGATATG-3'
Protein context (NP_001254479.2, residues 10142-10162): DDEGVYSVIA[Arg10152Gln]LEPRGEARST

ClinVar aggregate classification (germline): Uncertain significance. Review status: criteria provided, multiple submitters, no conflicts (2 of 4 stars). 4 submissions from 4 submitters: Uncertain significance (4). Last evaluated 2026-05-13.

Conditions:
TTN-related disorder. Also called: TTN-related condition; TTN-related disease; TTN-related disorders.
Hypertrophic cardiomyopathy 9. Also called: Familial hypertrophic cardiomyopathy 9. Identifiers: MedGen C1861065, MONDO:0013412, OMIM 613765.
Early-onset myopathy with fatal cardiomyopathy (CMYO5). Also called: CONGENITAL MYOPATHY 5 WITH CARDIOMYOPATHY; Salih Myopathy. Identifiers: Orphanet 289377, MedGen C2673677, MONDO:0012714, OMIM 611705. Disease mechanism: loss of function.
Autosomal recessive limb-girdle muscular dystrophy type 2J (LGMDR10). Also called: MUSCULAR DYSTROPHY, LIMB-GIRDLE, AUTOSOMAL RECESSIVE 10; Limb-girdle muscular dystrophy, type 2J. Identifiers: Orphanet 140922, MedGen C1837342, MONDO:0012127, OMIM 608807.
Dilated cardiomyopathy 1G (CMD1G). Identifiers: Orphanet 154, MedGen C1858763, MONDO:0011400, OMIM 604145.
Myopathy, myofibrillar, 9, with early respiratory failure (MFM9). Also called: Myopathy, distal, with early respiratory failure, autosomal dominant; Hereditary myopathy with early respiratory failure; EDSTROM MYOPATHY; MYOPATHY, PROXIMAL, WITH EARLY RESPIRATORY MUSCLE INVOLVEMENT. Identifiers: Orphanet 178464, Orphanet 34521, MedGen C1863599, MONDO:0011362, OMIM 603689.
Tibial muscular dystrophy (TMD). Also called: Tibial muscular dystrophy, tardive; Udd Distal Myopathy – Tibial Muscular Dystrophy; UDD MYOPATHY. Identifiers: Orphanet 609, MedGen C1838244, MONDO:0010870, OMIM 600334.

Allele frequency attached by ClinVar (database versions not stated): TOPMed 0.00002; ExAC 0.00003; ESP Exome Variant Server 0.00008.
gnomAD v4.1: 23 of 1,613,816 alleles (0.0014%); highest among the groups gnomAD compares: Non-Finnish European, 0.0018%; no homozygotes.

Submissions (4):

PreventionGenetics, part of Exact Sciences
Classification: Uncertain significance for TTN-related condition. Last evaluated: 2026-05-13. Review status: criteria provided, single submitter. Criteria: ACMG Guidelines, 2015. Collection method: clinical testing. Allele origin: germline.
Comment: The TTN c.30455G>A variant is predicted to result in the amino acid substitution p.Arg10152Gln. To our knowledge, this variant has not been reported in the literature in individuals with TTN-related disorders. This variant is reported in 0.0044% of alleles in individuals of European (Non-Finnish) descent in gnomAD. At this time, the clinical significance of this variant is uncertain due to the absence of conclusive functional and genetic evidence.

GeneDx
Classification: Uncertain significance. Last evaluated: 2022-01-21. Review status: criteria provided, single submitter. Criteria: GeneDx Variant Classification Process June 2021. Collection method: clinical testing. Allele origin: germline. Affected: yes.
Comment: Reported in a patient with BannayanRileyRuvalcaba syndrome who also harbored an additional missense variant in the TTN gene (Yehia et al., 2017); Missense variant in a gene in which most reported pathogenic variants are truncating/loss-of-function; Not observed at significant frequency in large population cohorts (gnomAD); This variant is associated with the following publications: (PMID: 29263846)

Fulgent Genetics
Classification: Uncertain significance for Tibial muscular dystrophy; Myopathy, myofibrillar, 9, with early respiratory failure; Dilated cardiomyopathy 1G; Autosomal recessive limb-girdle muscular dystrophy type 2J; Early-onset myopathy with fatal cardiomyopathy; Hypertrophic cardiomyopathy 9. Last evaluated: 2021-08-23. Review status: criteria provided, single submitter. Criteria: ACMG Guidelines, 2015. Collection method: clinical testing. Allele origin: unknown.

Eurofins Ntd Llc (ga)
Classification: Uncertain significance. Last evaluated: 2017-07-14. Review status: criteria provided, single submitter. Criteria: EGL Classification Definitions 2015. Collection method: clinical testing. Allele origin: germline. Observed: 1 variant allele, 1 heterozygote.